The following is an entry in ClinVar:

ClinVar aggregate classification (germline): Uncertain significance. Review status: criteria provided, multiple submitters, no conflicts (2 of 4 stars). 5 submissions from 5 submitters: Uncertain significance (4). 1 of the submissions does not count toward it. Last evaluated 2025-11-26.

Conditions:
Inborn genetic diseases. Identifiers: MedGen C0950123, MeSH D030342.
Smith-Lemli-Opitz syndrome (SLOS). Also called: 7-Dehydrocholesterol reductase deficiency; POLYDACTYLY, SEX REVERSAL, RENAL HYPOPLASIA, AND UNILOBAR LUNG; RSH SYNDROME; RUTLEDGE LETHAL MULTIPLE CONGENITAL ANOMALY SYNDROME; LETHAL ACRODYSGENITAL SYNDROME. Identifiers: Orphanet 818, MedGen C0175694, MONDO:0010035, OMIM 270400.

Allele frequency attached by ClinVar (database versions not stated): gnomAD exomes 0.00001 and 0.00003; gnomAD 0.00002 and 0.00003; TOPMed 0.00005.

Submissions (5):

Ambry Genetics
Classification: Uncertain significance for Inborn genetic diseases. Last evaluated: 2025-11-26. Review status: criteria provided, single submitter. Criteria: Ambry Variant Classification Scheme 2023. Collection method: clinical testing. Allele origin: germline.

GeneDx
Classification: Uncertain significance. Last evaluated: 2025-06-09. Review status: criteria provided, single submitter. Criteria: GeneDx Variant Classification Process June 2021. Collection method: clinical testing. Allele origin: germline. Affected: yes.
Comment: Not observed at significant frequency in large population cohorts (gnomAD); In silico analysis suggests that this missense variant does not alter protein structure/function; Previously reported in an individual from a large autism cohort; however additional variants were also identified and patient-specific information was not provided (PMID: 35982160); This variant is associated with the following publications: (PMID: 35982159, 35982160)

Fulgent Genetics
Classification: Uncertain significance for Smith-Lemli-Opitz syndrome. Last evaluated: 2018-10-31. Review status: criteria provided, single submitter. Criteria: ACMG Guidelines, 2015. Collection method: clinical testing. Allele origin: unknown.

Eurofins Ntd Llc (ga)
Classification: Uncertain significance. Last evaluated: 2016-01-12. Review status: criteria provided, single submitter. Criteria: EGL Classification Definitions 2015. Collection method: clinical testing. Allele origin: germline. Observed: 1 variant allele, 1 heterozygote.

Natera, Inc.
Classification: Uncertain significance for Smith-Lemli-Opitz syndrome. Last evaluated: 2018-12-22. Review status: no assertion criteria provided. Collection method: clinical testing. Allele origin: germline. Not counted in ClinVar's aggregate classification.

NM_001360.3(DHCR7):c.1370G>A (p.Arg457Gln)

Gene: DHCR7 (7-dehydrocholesterol reductase; minus strand). Cytogenetic location: 11q13.4.
Variant type: single nucleotide variant.
Coding change: c.1370G>A on transcript NM_001360.3 (MANE Select); coding-DNA position 1370, G replaced by A.
Protein change: p.Arg457Gln; replaces arginine 457 with glutamine.
Molecular consequence: missense variant.
Genome position (GRCh38, 1-based): chr11:71,435,433, C>T on the plus strand (G>A on the coding strand, the complement: DHCR7 is on the minus strand). VCF-style: chr11-71435433-C-T. GRCh37 (hg19) VCF-style: chr11-71146479-C-T.
Other names: c.1370G>A, p.Arg457Gln (NM_001163817.2); short protein forms R457Q.
Identifiers: ClinVar variation 285508 (VCV000285508.14), dbSNP rs886043122, ClinGen allele CA10605135.